The following is an entry in ClinVar:

ClinVar aggregate classification (germline): Uncertain significance (1 of 4 stars; one submission).

Submission:

Labcorp Genetics (formerly Invitae), Labcorp
Classification: Uncertain significance. Last evaluated: 2024-06-19. Review status: criteria provided, single submitter. Criteria: Invitae Variant Classification Sherloc (09022015). Collection method: clinical testing. Allele origin: germline.
Comment: This sequence change replaces alanine, which is neutral and non-polar, with isoleucine, which is neutral and non-polar, at codon 226 of the EMC1 protein (p.Ala226Ile). This variant is present in population databases (no rsID available, gnomAD 0.001%). This variant has not been reported in the literature in individuals affected with EMC1-related conditions. ClinVar contains an entry for this variant (Variation ID: 1352884). An algorithm developed to predict the effect of missense changes on protein structure and function (PolyPhen-2) suggests that this variant is likely to be tolerated. In summary, the available evidence is currently insufficient to determine the role of this variant in disease. Therefore, it has been classified as a Variant of Uncertain Significance.

NM_015047.3(EMC1):c.676_677delinsAT (p.Ala226Ile)

Genes: EMC1 (ER membrane protein complex subunit 1; minus strand), EMC1-AS1 (EMC1 antisense RNA 1; plus strand). Cytogenetic location: 1p36.13.
Variant type: Indel.
Coding change: c.676_677delinsAT on transcript NM_015047.3 (MANE Select); coding-DNA positions 676 to 677, GC replaced by AT.
Protein change: p.Ala226Ile; replaces alanine 226 with isoleucine.
Molecular consequence: missense variant. On other transcripts: non-coding transcript variant (1).
Genome position (GRCh38, 1-based): chr1:19,240,406-19,240,407, GC replaced by AT on the plus strand (GC replaced by AT on the coding strand, the reverse complement: EMC1 is on the minus strand). VCF-style: chr1-19240406-GC-AT. GRCh37 (hg19) VCF-style: chr1-19566900-GC-AT.
Other names: c.676_677delinsAT, p.Ala226Ile (NM_001271427.2, NM_001271428.2, NM_001375820.1 and 1 more transcripts); c.610_611delinsAT, p.Ala204Ile (NM_001271429.2); short protein forms A226I, A204I.
Identifiers: ClinVar variation 1352884 (VCV001352884.6), dbSNP rs2151958891, ClinGen allele CA2573130816.
Genomic context (GRCh38, chr1:19,240,406, plus strand): 5'-TGGAGGGAACGTGAGCTCGGGTCAGGACACACCAGGACAGCCTCATCCACCACACCACAG[GC>AT]TCCAGACAGGTGCTGCAGCCACGGAGTTGAAACCCTAACCTACAGAAAAGTCATCGTTAA-3'
Protein context (NP_055862.1, residues 216-236): STPWLQHLSG[Ala226Ile]CGVVDEAVLV